The following is an entry in ClinVar:

NM_001723.7(DST):c.3336G>C (p.Glu1112Asp)

Gene: DST (dystonin; minus strand). Cytogenetic location: 6p12.1.
Variant type: single nucleotide variant.
Coding change: c.3336G>C on transcript NM_001723.7 (MANE Plus Clinical); coding-DNA position 3336, G replaced by C.
Protein change: p.Glu1112Asp; replaces glutamic acid 1112 with aspartic acid.
Molecular consequence: missense variant. On other transcripts: intron variant (10).
Genome position (GRCh38, 1-based): chr6:56,620,698, C>G on the plus strand (G>C on the coding strand, the complement: DST is on the minus strand). VCF-style: chr6-56620698-C-G. GRCh37 (hg19) VCF-style: chr6-56485496-C-G.
Other names: c.4830+3832G>C (NM_001144769.5, NM_001144769.2); c.4929+3832G>C (NM_001374722.1, NM_001374736.1); c.4956+3832G>C (NM_001374734.1); c.4416+3832G>C (NM_001144770.2); c.4296+3832G>C (NM_001374730.1, NM_001386100.1, NM_183380.4 and 1 more transcripts); c.3318+3832G>C (NM_015548.5); short protein forms E1112D.
Identifiers: ClinVar variation 357589 (VCV000357589.70), dbSNP rs34767818, ClinGen allele CA3870730.

ClinVar aggregate classification (germline): Conflicting classifications of pathogenicity. Review status: criteria provided, conflicting classifications (1 of 4 stars). 10 submissions from 10 submitters: Uncertain significance (3); Likely benign (4). 3 of the submissions do not count toward it. Last evaluated 2026-06-01.

Conditions:
Inborn genetic diseases. Identifiers: MedGen C0950123, MeSH D030342.
DST-related disorder. Also called: DST-related condition; DST-related disorders.
Multiple sclerosis. Identifiers: MedGen C0026769, MONDO:0005301.
Hereditary sensory and autonomic neuropathy type 6. Also called: Neuropathy, hereditary sensory and autonomic, type VI; HSAN VI. Identifiers: Orphanet 314381, MedGen C3539003, MONDO:0013839, OMIM 614653.
Epidermolysis bullosa simplex 3, localized or generalized intermediate, with BP230 deficiency (EBS3). Also called: Epidermolysis bullosa simplex due to BP230 deficiency; Epidermolysis bullosa simplex, autosomal recessive 2. Identifiers: Orphanet 412181, MedGen C3809470, MONDO:0014180, OMIM 615425.

Allele frequency attached by ClinVar (database versions not stated): 1000 Genomes Project 30x 0.00156; 1000 Genomes Project 0.00180; ExAC 0.00327; gnomAD 0.00336 and 0.00349; gnomAD exomes 0.00347 and 0.00511; TOPMed 0.00381; ESP Exome Variant Server 0.00454.
gnomAD v4.1: 7,943 of 1,613,844 alleles (0.49%); highest among the groups gnomAD compares: Non-Finnish European, 0.61%; 27 homozygotes.

Submissions (10):

CeGaT Center for Human Genetics Tuebingen
Classification: Likely benign. Last evaluated: 2026-06-01. Review status: criteria provided, single submitter. Criteria: CeGaT Center For Human Genetics Tuebingen Variant Classification Criteria Version 2. Collection method: clinical testing. Allele origin: germline. Affected: yes. Observed: 28 variant alleles.
Comment: DST: BP4, BS2

Labcorp Genetics (formerly Invitae), Labcorp
Classification: Likely benign for Epidermolysis bullosa simplex 3, localized or generalized intermediate, with BP230 deficiency; Hereditary sensory and autonomic neuropathy type 6. Last evaluated: 2026-02-03. Review status: criteria provided, single submitter. Criteria: Invitae Variant Classification Sherloc (09022015). Collection method: clinical testing. Allele origin: germline.

GeneDx
Classification: Uncertain significance. Last evaluated: 2025-11-04. Review status: criteria provided, single submitter. Criteria: GeneDx Variant Classification Process June 2021. Collection method: clinical testing. Allele origin: germline. Affected: yes.
Comment: Identified in a patient with progressive neuropathy, muscle weakness, Raynaud's, scleroderma syncope, and hypermobility who had a second variant in DST; however, the phase of the variants was not known (PMID: 25790160); In silico analysis supports that this missense variant has a deleterious effect on protein structure/function; Reported using the transcript encoding the epithelial isoform of the gene; This variant is associated with the following publications: (PMID: 25790160)

Women's Health and Genetics/Laboratory Corporation of America, LabCorp
Classification: Likely benign. Last evaluated: 2024-12-10. Review status: criteria provided, single submitter. Criteria: LabCorp Variant Classification Summary - May 2015. Collection method: clinical testing. Allele origin: germline.
Comment: Variant summary: DST c.3336G>C (p.Glu1112Asp) results in a conservative amino acid change in the encoded protein sequence. Three of four in-silico tools predict a benign effect of the variant on protein function. The variant allele was found at a frequency of 0.0035 in 250036 control chromosomes in the gnomAD database, including 1 homozygotes. The observed variant frequency is approximately 3-fold of the estimated maximal expected allele frequency for a pathogenic variant in DST causing Epidermolysis bullosa simplex 3, localized or generalized intermediate, with BP230 deficiency phenotype (0.0011). c.3336G>C has been reported in the literature in an individual affected with progressive neuropathies, muscle weakness, Raynauds phenomenon, scleroderma syncope and hypermobility, without strong evidence for causality (Bloss_2015). These report(s) do not provide unequivocal conclusions about association of the variant with Epidermolysis bullosa simplex 3, localized or generalized intermediate, with BP230 deficiency. To our knowledge, no experimental evidence demonstrating an impact on protein function has been reported. The following publication has been ascertained in the context of this evaluation (PMID: 25790160). ClinVar contains an entry for this variant (Variation ID: 357589). Based on the evidence outlined above, the variant was classified as likely benign.

Blueprint Genetics
Classification: Likely benign. Last evaluated: 2024-11-22. Review status: criteria provided, single submitter. Criteria: ACMG Guidelines, 2015. Collection method: clinical testing. Allele origin: germline.

Ambry Genetics
Classification: Uncertain significance for Inborn genetic diseases. Last evaluated: 2022-11-02. Review status: criteria provided, single submitter. Criteria: Ambry General Variant Classification Scheme_2022. Collection method: clinical testing. Allele origin: germline. Observed: 1 variant allele.
Comment: Unlikely to be causative of DST-related sensory and autonomic neuropathy (AR) Based on insufficient or conflicting evidence, the clinical significance of this alteration remains unclear.

Mayo Clinic Laboratories, Mayo Clinic
Classification: Uncertain significance. Last evaluated: 2019-10-14. Review status: criteria provided, single submitter. Criteria: ACMG Guidelines, 2015. Collection method: clinical testing. Allele origin: germline. Observed: 1 variant allele.

Department of Molecular Biology and Genetics, Acibadem University
Classification: Likely pathogenic for Multiple sclerosis. Last evaluated: 2024-06-10. Review status: no assertion criteria provided. Collection method: research. Allele origin: germline. Affected: yes. Not counted in ClinVar's aggregate classification.

PreventionGenetics, part of Exact Sciences
Classification: Likely benign for DST-related condition. Last evaluated: 2020-03-12. Review status: no assertion criteria provided. Collection method: clinical testing. Allele origin: germline. Not counted in ClinVar's aggregate classification.
Comment: This variant is classified as likely benign based on ACMG/AMP sequence variant interpretation guidelines (Richards et al. 2015 PMID: 25741868, with internal and published modifications).

Inherited Neuropathy Consortium Ii, University Of Miami
Classification: Uncertain significance for Hereditary sensory and autonomic neuropathy type 6. Last evaluated: 2016-01-06. Review status: no assertion criteria provided. Collection method: literature only. Allele origin: germline. Affected: yes. Not counted in ClinVar's aggregate classification.

Literature cited by the submitters: PubMed 25790160 (cited by 3 submitters).